The following is an entry in ClinVar:

ClinVar aggregate classification (germline): Uncertain significance (1 of 4 stars; one submission).

Conditions:
Angelman syndrome (AS). Also called: HAPPY PUPPET SYNDROME. Identifiers: Orphanet 72, MedGen C0162635, MONDO:0007113, OMIM 105830. Disease mechanism: loss of function. Inheritance: AS is caused by disruption of maternally imprinted UBE3A located within the 15q11.2-q13 Angelman syndrome/Prader-Willi syndrome (AS/PWS) region., imprinting disorder.

gnomAD v4.1: 1 of 1,614,160 alleles (0.000062%); highest among the groups gnomAD compares: Non-Finnish European, 0.000085%; no homozygotes.

Submission:

Labcorp Genetics (formerly Invitae), Labcorp
Classification: Uncertain significance for Angelman syndrome. Last evaluated: 2024-05-15. Review status: criteria provided, single submitter. Criteria: Invitae Variant Classification Sherloc (09022015). Collection method: clinical testing. Allele origin: germline.
Comment: This sequence change replaces arginine, which is basic and polar, with lysine, which is basic and polar, at codon 190 of the UBE3A protein (p.Arg190Lys). This variant is not present in population databases (gnomAD no frequency). This variant has not been reported in the literature in individuals affected with UBE3A-related conditions. Advanced modeling of protein sequence and biophysical properties (such as structural, functional, and spatial information, amino acid conservation, physicochemical variation, residue mobility, and thermodynamic stability) has been performed at Invitae for this missense variant, however the output from this modeling did not meet the statistical confidence thresholds required to predict the impact of this variant on UBE3A protein function. In summary, the available evidence is currently insufficient to determine the role of this variant in disease. Therefore, it has been classified as a Variant of Uncertain Significance.

NM_130839.5(UBE3A):c.629G>A (p.Arg210Lys)

Genes: SNHG14 (small nucleolar RNA host gene 14; plus strand), UBE3A (ubiquitin protein ligase E3A; minus strand). Cytogenetic location: 15q11.2.
Variant type: single nucleotide variant.
Coding change: c.629G>A on transcript NM_130839.5 (MANE Select); coding-DNA position 629, G replaced by A.
Protein change: p.Arg210Lys; replaces arginine 210 with lysine.
Molecular consequence: missense variant. On other transcripts: non-coding transcript variant (1), intron variant (2).
Genome position (GRCh38, 1-based): chr15:25,371,545, C>T on the plus strand (G>A on the coding strand, the complement: UBE3A is on the minus strand). VCF-style: chr15-25371545-C-T. GRCh37 (hg19) VCF-style: chr15-25616692-C-T.
Other names: c.638G>A, p.Arg213Lys (NM_000462.5); c.629G>A, p.Arg210Lys (NM_001354505.1, NM_001354538.2, NM_001354545.2); c.569G>A, p.Arg190Lys (NM_001354506.2, NM_001354507.2, NM_001354508.2 and 17 more transcripts); c.452G>A, p.Arg151Lys (NM_001354546.2); c.301+3920G>A (NM_001354551.2); c.361+3920G>A (NM_001354550.2); short protein forms R190K, R151K, R210K, R213K.
Identifiers: ClinVar variation 2847105 (VCV002847105.3), dbSNP rs2080288864, ClinGen allele CA391355423.